The following is an entry in ClinVar:

NM_015158.5(KANK1):c.1457C>T (p.Thr486Ile)

Gene: KANK1 (KN motif and ankyrin repeat domains 1; plus strand). Cytogenetic location: 9p24.3.
Variant type: single nucleotide variant.
Coding change: c.1457C>T on transcript NM_015158.5 (MANE Select); coding-DNA position 1457, C replaced by T.
Protein change: p.Thr486Ile; replaces threonine 486 with isoleucine.
Molecular consequence: missense variant. On other transcripts: non-coding transcript variant (1).
Genome position (GRCh38, 1-based): chr9:712,223, C>T. VCF-style: chr9-712223-C-T. GRCh37 (hg19) VCF-style: chr9-712223-C-T.
Other names: c.1457C>T, p.Thr486Ile (NM_001256876.3, NM_001256877.3, NM_001354331.2 and 2 more transcripts); c.983C>T, p.Thr328Ile (NM_001354333.2, NM_001354335.2, NM_001354336.2 and 9 more transcripts); short protein forms T328I, T486I.
Identifiers: ClinVar variation 2163251 (VCV002163251.4), dbSNP rs545105437, ClinGen allele CA187837192.

ClinVar aggregate classification (germline): Uncertain significance (1 of 4 stars; one submission).

gnomAD v4.1: 12 of 1,614,160 alleles (0.00074%); highest among the groups gnomAD compares: Non-Finnish European, 0.00093%; no homozygotes.

Submission:

Labcorp Genetics (formerly Invitae), Labcorp
Classification: Uncertain significance. Last evaluated: 2025-06-12. Review status: criteria provided, single submitter. Criteria: Invitae Variant Classification Sherloc (09022015). Collection method: clinical testing. Allele origin: germline.
Comment: This sequence change replaces threonine, which is neutral and polar, with isoleucine, which is neutral and non-polar, at codon 486 of the KANK1 protein (p.Thr486Ile). This variant is present in population databases (rs545105437, gnomAD 0.002%). This variant has not been reported in the literature in individuals affected with KANK1-related conditions. ClinVar contains an entry for this variant (Variation ID: 2163251). Invitae Evidence Modeling of protein sequence and biophysical properties (such as structural, functional, and spatial information, amino acid conservation, physicochemical variation, residue mobility, and thermodynamic stability) indicates that this missense variant is not expected to disrupt KANK1 protein function with a negative predictive value of 80%. In summary, the available evidence is currently insufficient to determine the role of this variant in disease. Therefore, it has been classified as a Variant of Uncertain Significance.